The following is an entry in ClinVar:

NM_000053.4(ATP7B):c.2194C>T (p.Leu732Phe)

Gene: ATP7B (ATPase copper transporting beta; minus strand). Cytogenetic location: 13q14.3.
Variant type: single nucleotide variant.
Coding change: c.2194C>T on transcript NM_000053.4 (MANE Select); coding-DNA position 2194, C replaced by T.
Protein change: p.Leu732Phe; replaces leucine 732 with phenylalanine.
Molecular consequence: missense variant. On other transcripts: intron variant (2).
Genome position (GRCh38, 1-based): chr13:51,958,472, G>A on the plus strand (C>T on the coding strand, the complement: ATP7B is on the minus strand). VCF-style: chr13-51958472-G-A. GRCh37 (hg19) VCF-style: chr13-52532608-G-A.
Other names: c.1861C>T, p.Leu621Phe (NM_001243182.2); c.1942C>T, p.Leu648Phe (NM_001330579.2); c.1870-865C>T (NM_001005918.3); c.2122-865C>T (NM_001330578.2); short protein forms L621F, L648F, L732F.
Identifiers: ClinVar variation 1021167 (VCV001021167.8), dbSNP rs1958502647, ClinGen allele CA388022841.

ClinVar aggregate classification (germline): Uncertain significance. Review status: criteria provided, multiple submitters, no conflicts (2 of 4 stars). 2 submissions from 2 submitters: Uncertain significance (2). Last evaluated 2025-12-16.

Conditions:
Wilson disease (WND). Also called: Wilson's disease. Identifiers: Orphanet 905, MedGen C0019202, MONDO:0010200, OMIM 277900. Disease mechanism: loss of function.

Allele frequency attached by ClinVar (database versions not stated): gnomAD exomes below 0.00001.
gnomAD v4.1: 3 of 1,614,242 alleles (0.00019%); highest among the groups gnomAD compares: South Asian, 0.0022%; no homozygotes.

Submissions (2):

Labcorp Genetics (formerly Invitae), Labcorp
Classification: Uncertain significance for Wilson disease. Last evaluated: 2025-12-16. Review status: criteria provided, single submitter. Criteria: Invitae Variant Classification Sherloc (09022015). Collection method: clinical testing. Allele origin: germline.
Comment: This sequence change replaces leucine, which is neutral and non-polar, with phenylalanine, which is neutral and non-polar, at codon 732 of the ATP7B protein (p.Leu732Phe). This variant is not present in population databases (gnomAD no frequency). This missense change has been observed in individual(s) with Wilson disease (PMID: 32911910). ClinVar contains an entry for this variant (Variation ID: 1021167). Invitae Evidence Modeling of protein sequence and biophysical properties (such as structural, functional, and spatial information, amino acid conservation, physicochemical variation, residue mobility, and thermodynamic stability) indicates that this missense variant is expected to disrupt ATP7B protein function with a positive predictive value of 80%. This variant disrupts the p.Leu732 amino acid residue in ATP7B. Other variant(s) that disrupt this residue have been observed in individuals with ATP7B-related conditions (PMID: 23235335, 32664103), which suggests that this may be a clinically significant amino acid residue. In summary, the available evidence is currently insufficient to determine the role of this variant in disease. Therefore, it has been classified as a Variant of Uncertain Significance.

Women's Health and Genetics/Laboratory Corporation of America, LabCorp
Classification: Uncertain significance. Last evaluated: 2025-07-17. Review status: criteria provided, single submitter. Criteria: LabCorp Variant Classification Summary - May 2015. Collection method: clinical testing. Allele origin: germline.
Comment: Variant summary: ATP7B c.2194C>T (p.Leu732Phe) results in a non-conservative amino acid change in the encoded protein sequence. Algorithms developed to predict the effect of missense changes on protein structure and function all suggest that this variant is likely to be disruptive. The variant was absent in 249588 control chromosomes. The available data on variant occurrences in the general population are insufficient to allow any conclusion about variant significance. c.2194C>T has been observed in individual(s) affected with Wilson Disease (example: Aerziguli_2020). These report(s) do not provide unequivocal conclusions about association of the variant with Wilson Disease. To our knowledge, no experimental evidence demonstrating an impact on protein function has been reported. The following publication has been ascertained in the context of this evaluation (PMID: 32911910) ClinVar contains an entry for this variant (Variation ID: 1021167). Based on the evidence outlined above, the variant was classified as uncertain significance.

Literature cited by the submitters: PubMed 32911910 (cited by Labcorp Genetics (formerly Invitae), Labcorp and Women's Health and Genetics/Laboratory Corporation of America, LabCorp); PubMed 23235335 (cited by Labcorp Genetics (formerly Invitae), Labcorp); PubMed 32664103 (cited by Labcorp Genetics (formerly Invitae), Labcorp).